The following is an entry in ClinVar:

ClinVar aggregate classification (germline): Uncertain significance (1 of 4 stars; one submission).

Submission:

Labcorp Genetics (formerly Invitae), Labcorp
Classification: Uncertain significance. Last evaluated: 2022-03-20. Review status: criteria provided, single submitter. Criteria: Invitae Variant Classification Sherloc (09022015). Collection method: clinical testing. Allele origin: germline.
Comment: In summary, the available evidence is currently insufficient to determine the role of this variant in disease. Therefore, it has been classified as a Variant of Uncertain Significance. Algorithms developed to predict the effect of missense changes on protein structure and function are either unavailable or do not agree on the potential impact of this missense change (SIFT: "Deleterious"; PolyPhen-2: "Probably Damaging"; Align-GVGD: "Class C0"). This variant has not been reported in the literature in individuals affected with PLEKHG2-related conditions. This variant is not present in population databases (gnomAD no frequency). This sequence change replaces alanine, which is neutral and non-polar, with aspartic acid, which is acidic and polar, at codon 1352 of the PLEKHG2 protein (p.Ala1352Asp).

NM_022835.3(PLEKHG2):c.4055C>A (p.Ala1352Asp)

Gene: PLEKHG2 (pleckstrin homology and RhoGEF domain containing G2; plus strand). Cytogenetic location: 19q13.2.
Variant type: single nucleotide variant.
Coding change: c.4055C>A on transcript NM_022835.3 (MANE Select); coding-DNA position 4055, C replaced by A.
Protein change: p.Ala1352Asp; replaces alanine 1352 with aspartic acid.
Molecular consequence: missense variant. On other transcripts: intron variant (2).
Genome position (GRCh38, 1-based): chr19:39,425,188, C>A. VCF-style: chr19-39425188-C-A. GRCh37 (hg19) VCF-style: chr19-39915828-C-A.
Other names: c.3573-50C>A (NM_001351693.2); c.1678-50C>A (NM_001351694.2); short protein forms A1352D.
Identifiers: ClinVar variation 2115191 (VCV002115191.4), dbSNP rs2514463824, ClinGen allele CA405811734.
Genomic context (GRCh38, chr19:39,425,188, plus strand): 5'-GGCTCAGCTATGCCACGACGGTTAACATCCACGTGGGCGGGGGTGGGCGGCTGCGGCCAG[C>A]CAAGGCCCAGGTCCGGTTGAACCACCCTGCTCTCTTGGCCTCCACACAGGAATCTATGGG-3'
Protein context (NP_073746.2, residues 1342-1362): HVGGGGRLRP[Ala1352Asp]KAQVRLNHPA